The following is an entry in ClinVar:

ClinVar aggregate classification (germline): Uncertain significance (1 of 4 stars; one submission).

Allele frequency attached by ClinVar (database versions not stated): ESP Exome Variant Server 0.00031; TOPMed 0.00051.
gnomAD v4.1: 528 of 1,614,130 alleles (0.033%); highest among the groups gnomAD compares: Middle Eastern, 0.33%; 3 homozygotes.

Submission:

Labcorp Genetics (formerly Invitae), Labcorp
Classification: Uncertain significance. Last evaluated: 2026-01-05. Review status: criteria provided, single submitter. Criteria: Invitae Variant Classification Sherloc (09022015). Collection method: clinical testing. Allele origin: germline.
Comment: This sequence change replaces alanine, which is neutral and non-polar, with valine, which is neutral and non-polar, at codon 439 of the DHX32 protein (p.Ala439Val). This variant is present in population databases (rs143704757, gnomAD 0.1%), and has an allele count higher than expected for a pathogenic variant. This variant has not been reported in the literature in individuals affected with DHX32-related conditions. ClinVar contains an entry for this variant (Variation ID: 1405498). An algorithm developed to predict the effect of missense changes on protein structure and function (PolyPhen-2) suggests that this variant is likely to be disruptive. In summary, the available evidence is currently insufficient to determine the role of this variant in disease. Therefore, it has been classified as a Variant of Uncertain Significance.

NM_018180.3(DHX32):c.1316C>T (p.Ala439Val)

Genes: BCCIP (BRCA2 and CDKN1A interacting protein; plus strand), DHX32 (DEAH-box helicase 32 (putative); minus strand). Cytogenetic location: 10q26.2.
Variant type: single nucleotide variant.
Coding change: c.1316C>T on transcript NM_018180.3 (MANE Select); coding-DNA position 1316, C replaced by T.
Protein change: p.Ala439Val; replaces alanine 439 with valine.
Molecular consequence: missense variant. On other transcripts: intron variant (1).
Genome position (GRCh38, 1-based): chr10:125,852,328, G>A on the plus strand (C>T on the coding strand, the complement: DHX32 is on the minus strand). VCF-style: chr10-125852328-G-A. GRCh37 (hg19) VCF-style: chr10-127540897-G-A.
Other names: c.851-797G>A (NM_016567.4); short protein forms A439V.
Identifiers: ClinVar variation 1405498 (VCV001405498.6), dbSNP rs143704757, ClinGen allele CA5739220.